The following is an entry in ClinVar:

NM_018089.3(ANKZF1):c.2057G>A (p.Arg686Gln)

Gene: ANKZF1 (ankyrin repeat and zinc finger peptidyl tRNA hydrolase 1; plus strand). Cytogenetic location: 2q35.
Variant type: single nucleotide variant.
Coding change: c.2057G>A on transcript NM_018089.3 (MANE Select); coding-DNA position 2057, G replaced by A.
Protein change: p.Arg686Gln; replaces arginine 686 with glutamine.
Molecular consequence: missense variant.
Genome position (GRCh38, 1-based): chr2:219,236,095, G>A. VCF-style: chr2-219236095-G-A. GRCh37 (hg19) VCF-style: chr2-220100817-G-A.
Other names: c.2057G>A, p.Arg686Gln (NM_001042410.2); c.1427G>A, p.Arg476Gln (NM_001282792.2); short protein forms R476Q, R686Q.
Identifiers: ClinVar variation 2740194 (VCV002740194.3), dbSNP rs765253696, ClinGen allele CA2121289.

ClinVar aggregate classification (germline): Uncertain significance (1 of 4 stars; one submission).

Allele frequency attached by ClinVar (database versions not stated): gnomAD 0.00001; TOPMed 0.00001; ExAC 0.00001; gnomAD exomes below 0.00001.
gnomAD v4.1: 10 of 1,614,052 alleles (0.00062%); highest among the groups gnomAD compares: East Asian, 0.0022%; no homozygotes.

Submission:

Labcorp Genetics (formerly Invitae), Labcorp
Classification: Uncertain significance. Last evaluated: 2025-12-09. Review status: criteria provided, single submitter. Criteria: Invitae Variant Classification Sherloc (09022015). Collection method: clinical testing. Allele origin: germline.
Comment: This sequence change replaces arginine, which is basic and polar, with glutamine, which is neutral and polar, at codon 686 of the ANKZF1 protein (p.Arg686Gln). This variant also falls at the last nucleotide of exon 13, which is part of the consensus splice site for this exon. This variant is present in population databases (rs765253696, gnomAD 0.02%). This variant has not been reported in the literature in individuals affected with ANKZF1-related conditions. ClinVar contains an entry for this variant (Variation ID: 2740194). An algorithm developed to predict the effect of missense changes on protein structure and function outputs the following: PolyPhen-2: "Benign". The glutamine amino acid residue is found in multiple mammalian species, which suggests that this missense change does not adversely affect protein function. Variants that disrupt the consensus splice site are a relatively common cause of aberrant splicing (PMID: 17576681, 9536098). Algorithms developed to predict the effect of sequence changes on RNA splicing suggest that this variant may disrupt the consensus splice site. In summary, the available evidence is currently insufficient to determine the role of this variant in disease. Therefore, it has been classified as a Variant of Uncertain Significance.

Literature cited by the submitters: PubMed 17576681; PubMed 9536098.